The following is an entry in ClinVar:

NM_006949.4(STXBP2):c.481C>T (p.Arg161Trp)

Gene: STXBP2 (syntaxin binding protein 2; plus strand). Cytogenetic location: 19p13.2.
Variant type: single nucleotide variant.
Coding change: c.481C>T on transcript NM_006949.4 (MANE Select); coding-DNA position 481, C replaced by T.
Protein change: p.Arg161Trp; replaces arginine 161 with tryptophan.
Molecular consequence: missense variant. On other transcripts: non-coding transcript variant (1).
Genome position (GRCh38, 1-based): chr19:7,641,756, C>T. VCF-style: chr19-7641756-C-T. GRCh37 (hg19) VCF-style: chr19-7706642-C-T.
Other names: c.472C>T, p.Arg158Trp (NM_001127396.3); c.514C>T, p.Arg172Trp (NM_001272034.2); short protein forms R172W, R158W, R161W.
Identifiers: ClinVar variation 1488871 (VCV001488871.5), dbSNP rs1274431087, ClinGen allele CA403158318.
Genomic context (GRCh38, chr19:7,641,756, plus strand): 5'-CTCGCCCAGGTGTTCTCCCTCGATGCTCCCCACAGCACCTACAACCTCTACTGCCCCTTC[C>T]GGGCAGAGGAGCGCACGCGGCAGCTCGAGGTGCTGGCCCAGCAGATTGCCACGCTGTGCG-3'
Protein context (NP_008880.2, residues 151-171): HSTYNLYCPF[Arg161Trp]AEERTRQLEV

ClinVar aggregate classification (germline): Uncertain significance (1 of 4 stars; one submission).

Conditions:
Familial hemophagocytic lymphohistiocytosis 5. Also called: STXBP2-Related Familial Hemophagocytic Lymphohistiocytosis (STXBP2-fHLH). Identifiers: Orphanet 540, MedGen C2751293, MONDO:0013135, OMIM 613101.

Allele frequency attached by ClinVar (database versions not stated): gnomAD 0.00001; TOPMed 0.00001.
gnomAD v4.1: 9 of 1,552,676 alleles (0.00058%); highest among the groups gnomAD compares: African/African-American, 0.0027%; no homozygotes.

Submission:

Labcorp Genetics (formerly Invitae), Labcorp
Classification: Uncertain significance for Familial hemophagocytic lymphohistiocytosis 5. Last evaluated: 2022-02-14. Review status: criteria provided, single submitter. Criteria: Invitae Variant Classification Sherloc (09022015). Collection method: clinical testing. Allele origin: germline.
Comment: This sequence change replaces arginine, which is basic and polar, with tryptophan, which is neutral and slightly polar, at codon 161 of the STXBP2 protein (p.Arg161Trp). This variant is present in population databases (no rsID available, gnomAD 0.01%). This variant has not been reported in the literature in individuals affected with STXBP2-related conditions. Algorithms developed to predict the effect of missense changes on protein structure and function (SIFT, PolyPhen-2, Align-GVGD) all suggest that this variant is likely to be tolerated. In summary, the available evidence is currently insufficient to determine the role of this variant in disease. Therefore, it has been classified as a Variant of Uncertain Significance.